The following is an entry in ClinVar:

ClinVar aggregate classification (germline): Pathogenic (1 of 4 stars; one submission).

Conditions:
Nephronophthisis 18 (NPHP18). Identifiers: Orphanet 655, MedGen C3890591, MONDO:0014374, OMIM 615862.

Submission:

Labcorp Genetics (formerly Invitae), Labcorp
Classification: Pathogenic for Nephronophthisis 18. Last evaluated: 2025-08-03. Review status: criteria provided, single submitter. Criteria: Invitae Variant Classification Sherloc (09022015). Collection method: clinical testing. Allele origin: germline.
Comment: This sequence change creates a premature translational stop signal (p.Lys65Cysfs*6) in the CEP83 gene. It is expected to result in an absent or disrupted protein product. Loss-of-function variants in CEP83 are known to be pathogenic (PMID: 23530209, 24882706). This variant is not present in population databases (gnomAD no frequency). This variant has not been reported in the literature in individuals affected with CEP83-related conditions. For these reasons, this variant has been classified as Pathogenic.

Literature cited by the submitters: PubMed 23530209; PubMed 24882706.

NM_016122.3(CEP83):c.189_192dup (p.Lys65fs)

Gene: CEP83 (centrosomal protein 83; minus strand). Cytogenetic location: 12q22.
Variant type: Duplication.
Coding change: c.189_192dup on transcript NM_016122.3 (MANE Select); coding-DNA positions 189 to 192, 4 bases duplicated (TGTA; older notation c.189_192dupTGTA).
Protein change: p.Lys65fs; shifts the reading frame from lysine 65.
Molecular consequence: frameshift variant. On other transcripts: 5 prime UTR variant (6), non-coding transcript variant (3).
Genome position (GRCh38, 1-based): chr12:94,411,829-94,411,832, TACA duplicated on the plus strand (TGTA on the coding strand, the reverse complement: CEP83 is on the minus strand); duplicating any 4 consecutive bases within chr12:94,411,829-94,411,833 gives the same sequence; the c. name uses the placement nearest the transcript's 3' end. VCF-style (leftmost placement, unchanged base first): chr12-94411828-T-TTACA. GRCh37 (hg19) VCF-style: chr12-94805604-T-TTACA.
Other names: c.189_192dup, p.Lys65fs (NM_001042399.2, NM_001346457.2, NM_001346460.2 and 4 more transcripts); c.-124_-121dup (NM_001346458.2, NM_001346459.2, NM_001346462.2 and 3 more transcripts); short protein forms K65fs.
Identifiers: ClinVar variation 4724158 (VCV004724158.1).